The following is an entry in ClinVar:

NM_000094.4(COL7A1):c.6121A>G (p.Ile2041Val)

Gene: COL7A1 (collagen type VII alpha 1 chain; minus strand). Cytogenetic location: 3p21.31.
Variant type: single nucleotide variant.
Coding change: c.6121A>G on transcript NM_000094.4 (MANE Select); coding-DNA position 6121, A replaced by G.
Protein change: p.Ile2041Val; replaces isoleucine 2041 with valine.
Molecular consequence: missense variant.
Genome position (GRCh38, 1-based): chr3:48,575,398, T>C on the plus strand (A>G on the coding strand, the complement: COL7A1 is on the minus strand). VCF-style: chr3-48575398-T-C. GRCh37 (hg19) VCF-style: chr3-48612831-T-C.
Other names: short protein forms I2041V.
Identifiers: ClinVar variation 1481070 (VCV001481070.6), dbSNP rs2107674241, ClinGen allele CA352663105.

ClinVar aggregate classification (germline): Uncertain significance (1 of 4 stars; one submission).

Submission:

Labcorp Genetics (formerly Invitae), Labcorp
Classification: Uncertain significance. Last evaluated: 2021-11-22. Review status: criteria provided, single submitter. Criteria: Invitae Variant Classification Sherloc (09022015). Collection method: clinical testing. Allele origin: germline.
Comment: In summary, the available evidence is currently insufficient to determine the role of this variant in disease. Therefore, it has been classified as a Variant of Uncertain Significance. Advanced modeling of protein sequence and biophysical properties (such as structural, functional, and spatial information, amino acid conservation, physicochemical variation, residue mobility, and thermodynamic stability) performed at Invitae indicates that this missense variant is not expected to disrupt COL7A1 protein function. This variant has not been reported in the literature in individuals affected with COL7A1-related conditions. This variant is not present in population databases (gnomAD no frequency). This sequence change replaces isoleucine, which is neutral and non-polar, with valine, which is neutral and non-polar, at codon 2041 of the COL7A1 protein (p.Ile2041Val).